The following is an entry in ClinVar:

NM_001036.6(RYR3):c.922C>T (p.Arg308Trp)

Gene: RYR3 (ryanodine receptor 3; plus strand). Cytogenetic location: 15q14.
Variant type: single nucleotide variant.
Coding change: c.922C>T on transcript NM_001036.6 (MANE Select); coding-DNA position 922, C replaced by T.
Protein change: p.Arg308Trp; replaces arginine 308 with tryptophan.
Molecular consequence: missense variant.
Genome position (GRCh38, 1-based): chr15:33,550,266, C>T. VCF-style: chr15-33550266-C-T. GRCh37 (hg19) VCF-style: chr15-33842467-C-T.
Other names: c.922C>T, p.Arg308Trp (NM_001243996.4); short protein forms R308W.
Identifiers: ClinVar variation 953763 (VCV000953763.7), dbSNP rs577554238, ClinGen allele CA7457964.

ClinVar aggregate classification (germline): Uncertain significance (1 of 4 stars; one submission).

Conditions:
Epileptic encephalopathy. Identifiers: MedGen C0543888, HP:0200134.

Allele frequency attached by ClinVar (database versions not stated): gnomAD 0.00001 and 0.00002; TOPMed 0.00001; ExAC 0.00002; 1000 Genomes Project 30x 0.00016; 1000 Genomes Project 0.00020.
gnomAD v4.1: 37 of 1,613,558 alleles (0.0023%); highest among the groups gnomAD compares: Non-Finnish European, 0.0028%; no homozygotes.

Submission:

Labcorp Genetics (formerly Invitae), Labcorp
Classification: Uncertain significance for Epileptic encephalopathy. Last evaluated: 2021-08-31. Review status: criteria provided, single submitter. Criteria: Invitae Variant Classification Sherloc (09022015). Collection method: clinical testing. Allele origin: germline.
Comment: This sequence change replaces arginine with tryptophan at codon 308 of the RYR3 protein (p.Arg308Trp). The arginine residue is highly conserved and there is a moderate physicochemical difference between arginine and tryptophan. This variant is present in population databases (rs577554238, ExAC 0.01%). This variant has not been reported in the literature in individuals affected with RYR3-related conditions. Algorithms developed to predict the effect of missense changes on protein structure and function are either unavailable or do not agree on the potential impact of this missense change (SIFT: "Deleterious"; PolyPhen-2: "Probably Damaging"; Align-GVGD: "Class C0"). In summary, the available evidence is currently insufficient to determine the role of this variant in disease. Therefore, it has been classified as a Variant of Uncertain Significance.